The following is an entry in ClinVar:

NM_001318734.2(KLC2):c.1283G>T (p.Ser428Ile)

Genes: KLC2 (kinesin light chain 2; plus strand), KLC2-AS1 (KLC2 antisense RNA 1; minus strand). Cytogenetic location: 11q13.2.
Variant type: single nucleotide variant.
Coding change: c.1283G>T on transcript NM_001318734.2 (MANE Select); coding-DNA position 1283, G replaced by T.
Protein change: p.Ser428Ile; replaces serine 428 with isoleucine.
Molecular consequence: missense variant. On other transcripts: non-coding transcript variant (1).
Genome position (GRCh38, 1-based): chr11:66,265,184, G>T. VCF-style: chr11-66265184-G-T. GRCh37 (hg19) VCF-style: chr11-66032655-G-T.
Other names: c.1052G>T, p.Ser351Ile (NM_001134774.2); c.1283G>T, p.Ser428Ile (NM_001134775.2, NM_001134776.2, NM_022822.3); short protein forms S351I, S428I.
Identifiers: ClinVar variation 3627358 (VCV003627358.2).
Genomic context (GRCh38, chr11:66,265,184, plus strand): 5'-GAGGGGGGCCTGCTCTCACTTCTTGTGACCATTCTTTCCTCCAGGATAAGCGCCGGGACA[G>T]CGCCCCCTATGGGGAATACGGCAGCTGGTACAAGGCCTGTAAAGTAGACAGGTGAGTGGG-3'
Protein context (NP_001305663.1, residues 418-438): REESKDKRRD[Ser428Ile]APYGEYGSWY

ClinVar aggregate classification (germline): Uncertain significance (1 of 4 stars; one submission).

Submission:

Labcorp Genetics (formerly Invitae), Labcorp
Classification: Uncertain significance. Last evaluated: 2024-04-22. Review status: criteria provided, single submitter. Criteria: Invitae Variant Classification Sherloc (09022015). Collection method: clinical testing. Allele origin: germline.
Comment: This sequence change replaces serine, which is neutral and polar, with isoleucine, which is neutral and non-polar, at codon 428 of the KLC2 protein (p.Ser428Ile). This variant is not present in population databases (gnomAD no frequency). This variant has not been reported in the literature in individuals affected with KLC2-related conditions. An algorithm developed to predict the effect of missense changes on protein structure and function (PolyPhen-2) suggests that this variant is likely to be tolerated. In summary, the available evidence is currently insufficient to determine the role of this variant in disease. Therefore, it has been classified as a Variant of Uncertain Significance.